The following is an entry in ClinVar:

NM_004380.3(CREBBP):c.6066G>A (p.Gln2022=)

Gene: CREBBP (CREB binding lysine acetyltransferase; minus strand). Cytogenetic location: 16p13.3.
Variant type: single nucleotide variant.
Coding change: c.6066G>A on transcript NM_004380.3 (MANE Select); coding-DNA position 6066, G replaced by A.
Protein change: p.Gln2022=; no amino-acid change (glutamine 2022 retained).
Molecular consequence: synonymous variant.
Genome position (GRCh38, 1-based): chr16:3,728,981, C>T on the plus strand (G>A on the coding strand, the complement: CREBBP is on the minus strand). VCF-style: chr16-3728981-C-T. GRCh37 (hg19) VCF-style: chr16-3778982-C-T.
Other names: c.5952G>A, p.Gln1984= (NM_001079846.1).
Identifiers: ClinVar variation 3355328 (VCV003355328.1).

ClinVar aggregate classification (germline): Likely benign (0 of 4 stars; one submission).

Conditions:
CREBBP-related disorder. Also called: CREBBP-related condition; CREBBP-related disorders.

Submission:

PreventionGenetics, part of Exact Sciences
Classification: Likely benign for CREBBP-related condition. Last evaluated: 2021-09-28. Review status: no assertion criteria provided. Collection method: clinical testing. Allele origin: germline.
Comment: This variant is classified as likely benign based on ACMG/AMP sequence variant interpretation guidelines (Richards et al. 2015 PMID: 25741868, with internal and published modifications).